The following is an entry in ClinVar:

NM_001277115.2(DNAH11):c.9435G>A (p.Thr3145=)

Gene: DNAH11 (dynein axonemal heavy chain 11; plus strand). Cytogenetic location: 7p15.3.
Variant type: single nucleotide variant.
Coding change: c.9435G>A on transcript NM_001277115.2 (MANE Select); coding-DNA position 9435, G replaced by A.
Protein change: p.Thr3145=; no amino-acid change (threonine 3145 retained).
Molecular consequence: synonymous variant.
Genome position (GRCh38, 1-based): chr7:21,779,056, G>A. VCF-style: chr7-21779056-G-A. GRCh37 (hg19) VCF-style: chr7-21818674-G-A.
Other names: p.Thr3145=.
Identifiers: ClinVar variation 226590 (VCV000226590.53), dbSNP rs72657379, ClinGen allele CA4181961.

ClinVar aggregate classification (germline): Benign/Likely benign. Review status: criteria provided, multiple submitters, no conflicts (2 of 4 stars). 6 submissions from 6 submitters: Benign (4); Likely benign (2). Last evaluated 2026-08-01.

Conditions:
Primary ciliary dyskinesia. Also called: Ciliary dyskinesia. Identifiers: Orphanet 244, MedGen C0008780, MONDO:0016575, HP:0012265.
Primary ciliary dyskinesia 7. Also called: CILIARY DYSKINESIA, PRIMARY, 7, WITH OR WITHOUT SITUS INVERSUS. Identifiers: Orphanet 244, MedGen C2678473, MONDO:0012748, OMIM 611884.

Allele frequency attached by ClinVar (database versions not stated): 1000 Genomes Project 30x 0.00187; 1000 Genomes Project 0.00200; gnomAD exomes 0.00391; ExAC 0.00399; gnomAD 0.00449; TOPMed 0.00452; ESP Exome Variant Server 0.00528.
gnomAD v4.1: 11,003 of 1,613,338 alleles (0.68%); highest among the groups gnomAD compares: Non-Finnish European, 0.88%; 59 homozygotes.

Submissions (6):

CeGaT Center for Human Genetics Tuebingen
Classification: Likely benign. Last evaluated: 2026-08-01. Review status: criteria provided, single submitter. Criteria: CeGaT Center For Human Genetics Tuebingen Variant Classification Criteria Version 2. Collection method: clinical testing. Allele origin: germline. Affected: yes. Observed: 3 variant alleles.
Comment: DNAH11: BP4, BP7, BS2

Labcorp Genetics (formerly Invitae), Labcorp
Classification: Benign for Primary ciliary dyskinesia. Last evaluated: 2026-02-04. Review status: criteria provided, single submitter. Criteria: Invitae Variant Classification Sherloc (09022015). Collection method: clinical testing. Allele origin: germline.

ARUP Laboratories, Molecular Genetics and Genomics, ARUP Laboratories
Classification: Likely benign for Primary ciliary dyskinesia 7. Last evaluated: 2025-01-22. Review status: criteria provided, single submitter. Criteria: ARUP Molecular Germline Variant Investigation Process 2024. Collection method: clinical testing. Allele origin: germline.

Mayo Clinic Laboratories, Mayo Clinic
Classification: Benign. Last evaluated: 2023-12-19. Review status: criteria provided, single submitter. Criteria: ACMG Guidelines, 2015. Collection method: clinical testing. Allele origin: germline. Observed: 5 variant alleles.
Comment: BS1, BS2, BP4, BP7

PreventionGenetics, part of Exact Sciences
Classification: Benign. Last evaluated: 2016-04-21. Review status: criteria provided, single submitter. Criteria: ACMG Guidelines, 2015. Collection method: clinical testing. Allele origin: germline.

Laboratory for Molecular Medicine, Mass General Brigham Personalized Medicine
Classification: Benign. Last evaluated: 2013-02-21. Review status: criteria provided, single submitter. Criteria: LMM Criteria. Collection method: clinical testing. Allele origin: germline. Observed: 1 variant allele.
Comment: Thr3145Thr in exon 57 of DNAH11: This variant is not expected to have clinical s ignificance because it does not alter an amino acid residue and is not located w ithin the splice consensus sequence. It has been identified in 0.7% (62/8276) of European American chromosomes from a broad population by the NHLBI Exome Sequen cing Project (dbSNP rs72657379).